The following is an entry in ClinVar:

ClinVar aggregate classification (germline): Uncertain significance (1 of 4 stars; one submission).

Submission:

GeneDx
Classification: Uncertain significance. Last evaluated: 2024-11-07. Review status: criteria provided, single submitter. Criteria: GeneDx Variant Classification Process June 2021. Collection method: clinical testing. Allele origin: germline. Affected: yes.
Comment: Not observed at significant frequency in large population cohorts (gnomAD); Frameshift variant predicted to result in abnormal protein length as the last 97 amino acid(s) are replaced with 35 different amino acid(s); Has not been previously published as pathogenic or benign to our knowledge

NM_006035.4(CDC42BPB):c.4842dup (p.Ser1615fs)

Gene: CDC42BPB (CDC42 binding protein kinase beta; minus strand). Cytogenetic location: 14q32.32.
Variant type: Duplication.
Coding change: c.4842dup on transcript NM_006035.4 (MANE Select); coding-DNA position 4842, one base duplicated (C; older notation c.4842dupC).
Protein change: p.Ser1615fs; shifts the reading frame from serine 1615.
Molecular consequence: frameshift variant.
Genome position (GRCh38, 1-based): chr14:102,938,397, G duplicated on the plus strand (C on the coding strand, the reverse complement: CDC42BPB is on the minus strand); the first of 6 consecutive G bases (chr14:102,938,397-102,938,402); duplicating any one gives the same sequence. VCF-style (leftmost placement, unchanged base first): chr14-102938396-A-AG. GRCh37 (hg19) VCF-style: chr14-103404733-A-AG.
Other names: c.4764dup, p.Ser1589fs (NM_001411054.1); short protein forms S1589fs, S1615fs.
Identifiers: ClinVar variation 3899158 (VCV003899158.1).